The following is an entry in ClinVar:

NM_012338.4(TSPAN12):c.907GAG[1] (p.Glu304del)

Gene: TSPAN12 (tetraspanin 12; minus strand). Cytogenetic location: 7q31.31.
Variant type: Microsatellite.
Coding change: c.907GAG[1] on transcript NM_012338.4 (MANE Select); one copy of the 3-base unit GAG starting at c.907; the reference has two copies in a row; one copy, 3 bases deleted.
Protein change: p.Glu304del; deletes glutamic acid 304.
Molecular consequence: inframe deletion.
Genome position (GRCh38, 1-based): chr7:120,788,598-120,788,600, CTC deleted on the plus strand (GAG on the coding strand, the reverse complement: TSPAN12 is on the minus strand); deleting any 3 consecutive bases within chr7:120,788,598-120,788,604 gives the same sequence; the position shown is the placement nearest the transcript's 3' end. VCF-style (leftmost placement, unchanged base first): chr7-120788597-ACTC-A. GRCh37 (hg19) VCF-style: chr7-120428651-ACTC-A.
Other names: short protein forms E304del.
Identifiers: ClinVar variation 1440864 (VCV001440864.8), dbSNP rs750963703, ClinGen allele CA4453778.
Genomic context (GRCh38, chr7:120,788,597, plus strand): 5'-AAAATTCACAAGTCCAGTAAAACAAGTTTGTGGTTTTCTTCTGTGACATTTCTTTTTATA[ACTC>A]CTCCATCTCAAAGTGTGTATTAAAGCTGTTTGCCATGGATGTGTGTTCAAAGATTCTTGA-3'

ClinVar aggregate classification (germline): Uncertain significance (1 of 4 stars; one submission).

Submission:

Labcorp Genetics (formerly Invitae), Labcorp
Classification: Uncertain significance. Last evaluated: 2022-08-10. Review status: criteria provided, single submitter. Criteria: Invitae Variant Classification Sherloc (09022015). Collection method: clinical testing. Allele origin: germline.
Comment: This variant, c.910_912del, results in the deletion of 1 amino acid(s) of the TSPAN12 protein (p.Glu304del), but otherwise preserves the integrity of the reading frame. The frequency data for this variant in the population databases is considered unreliable, as metrics indicate poor data quality at this position in the gnomAD database. This variant has not been reported in the literature in individuals affected with TSPAN12-related conditions. Experimental studies and prediction algorithms are not available or were not evaluated, and the functional significance of this variant is currently unknown. In summary, the available evidence is currently insufficient to determine the role of this variant in disease. Therefore, it has been classified as a Variant of Uncertain Significance.